The following is an entry in ClinVar:

ClinVar aggregate classification (germline): Uncertain significance (1 of 4 stars; one submission).

Submission:

Ambry Genetics
Classification: Uncertain significance. Last evaluated: 2021-09-20. Review status: criteria provided, single submitter. Criteria: Ambry Variant Classification Scheme 2023. Collection method: clinical testing. Allele origin: germline.
Comment: The p.S227Y variant (also known as c.680C>A), located in coding exon 4 of the MNDA gene, results from a C to A substitution at nucleotide position 680. The serine at codon 227 is replaced by tyrosine, an amino acid with dissimilar properties. This amino acid position is conserved. In addition, this alteration is predicted to be tolerated by in silico analysis. Since supporting evidence is limited at this time, the clinical significance of this alteration remains unclear.

NM_002432.3(MNDA):c.680C>A (p.Ser227Tyr)

Gene: MNDA (myeloid cell nuclear differentiation antigen; plus strand). Cytogenetic location: 1q23.1.
Variant type: single nucleotide variant.
Coding change: c.680C>A on transcript NM_002432.3 (MANE Select); coding-DNA position 680, C replaced by A.
Protein change: p.Ser227Tyr; replaces serine 227 with tyrosine.
Molecular consequence: missense variant.
Genome position (GRCh38, 1-based): chr1:158,845,696, C>A. VCF-style: chr1-158845696-C-A. GRCh37 (hg19) VCF-style: chr1-158815486-C-A.
Other names: short protein forms S227Y.
Identifiers: ClinVar variation 1755561 (VCV001755561.2), dbSNP rs2526087467, ClinGen allele CA343041045.
Genomic context (GRCh38, chr1:158,845,696, plus strand): 5'-CCCAAAACGACCCAGTGACAGTGGTGGTACTGAAAGCAACAGCGCCATTTAAATACGAGT[C>A]CCCAGAAAATGGGAAAAGCACAATGTTTCATGCTACAGTGGCCAGTAAGACTCAATATTT-3'
Protein context (NP_002423.1, residues 217-237): LKATAPFKYE[Ser227Tyr]PENGKSTMFH